The following is an entry in ClinVar:

ClinVar aggregate classification (germline): Uncertain significance (1 of 4 stars; one submission).

Conditions:
Dystonic disorder. Also called: Dystonia. Identifiers: MedGen C0013421, MONDO:0003441, HP:0001332.

Submission:

Labcorp Genetics (formerly Invitae), Labcorp
Classification: Uncertain significance for Dystonic disorder. Last evaluated: 2024-04-25. Review status: criteria provided, single submitter. Criteria: Invitae Variant Classification Sherloc (09022015). Collection method: clinical testing. Allele origin: germline.
Comment: This sequence change replaces proline, which is neutral and non-polar, with arginine, which is basic and polar, at codon 89 of the SPR protein (p.Pro89Arg). This variant is not present in population databases (gnomAD no frequency). This variant has not been reported in the literature in individuals affected with SPR-related conditions. Advanced modeling of protein sequence and biophysical properties (such as structural, functional, and spatial information, amino acid conservation, physicochemical variation, residue mobility, and thermodynamic stability) performed at Invitae indicates that this missense variant is not expected to disrupt SPR protein function with a negative predictive value of 80%. In summary, the available evidence is currently insufficient to determine the role of this variant in disease. Therefore, it has been classified as a Variant of Uncertain Significance.

NM_003124.5(SPR):c.266C>G (p.Pro89Arg)

Gene: SPR (sepiapterin reductase; plus strand). Cytogenetic location: 2p13.2.
Variant type: single nucleotide variant.
Coding change: c.266C>G on transcript NM_003124.5 (MANE Select); coding-DNA position 266, C replaced by G.
Protein change: p.Pro89Arg; replaces proline 89 with arginine.
Molecular consequence: missense variant.
Genome position (GRCh38, 1-based): chr2:72,887,698, C>G. VCF-style: chr2-72887698-C-G. GRCh37 (hg19) VCF-style: chr2-73114827-C-G.
Other names: short protein forms P89R.
Identifiers: ClinVar variation 3627635 (VCV003627635.2).